The following is an entry in ClinVar:

ClinVar aggregate classification (germline): Benign (1 of 4 stars; one submission).

Conditions:
Familial adenomatous polyposis 1 (FAP1). Also called: POLYPOSIS, ADENOMATOUS INTESTINAL; FAMILIAL ADENOMATOUS POLYPOSIS 1, ATTENUATED. Identifiers: MedGen C2713442, MONDO:0021056, OMIM 175100. Disease mechanism: loss of function.

Submission:

Myriad Genetics, Inc.
Classification: Benign for Familial adenomatous polyposis 1. Last evaluated: 2024-03-08. Review status: criteria provided, single submitter. Criteria: Myriad Autosomal Dominant, Autosomal Recessive and X-Linked Classification Criteria (2023). Collection method: clinical testing. Allele origin: unknown.
Comment: This variant is considered benign. This variant is intronic and is not expected to impact mRNA splicing.

NM_000038.6(APC):c.1958+26_1958+28delinsCT

Gene: APC (APC regulator of Wnt signaling pathway; plus strand). Cytogenetic location: 5q22.2.
Variant type: Indel.
Coding change: c.1958+26_1958+28delinsCT on transcript NM_000038.6 (MANE Select); bases 26 to 28 of the intron after coding-DNA position 1958, TTA replaced by CT.
Molecular consequence: intron variant.
Genome position (GRCh38, 1-based): chr5:112,835,191-112,835,193, TTA replaced by CT. VCF-style: chr5-112835191-TTA-CT. GRCh37 (hg19) VCF-style: chr5-112170888-TTA-CT.
Other names: c.1109+26_1109+28delinsCT (NM_001407470.1, NM_001354906.2); c.806+26_806+28delinsCT (NM_001407472.1, NM_001407471.1); c.2012+26_2012+28delinsCT (NM_001407447.1, NM_001407448.1, NM_001407449.1 and 1 more transcripts); c.1958+26_1958+28delinsCT (NM_001354895.2, NM_001407450.1, NM_001127510.3); c.1709+26_1709+28delinsCT (NM_001407456.1, NM_001407457.1, NM_001407455.1 and 1 more transcripts); c.1655+26_1655+28delinsCT (NM_001407460.1, NM_001407458.1, NM_001407459.1 and 1 more transcripts); c.1928+26_1928+28delinsCT (NM_001407452.1); c.1571+26_1571+28delinsCT (NM_001407469.1, NM_001407467.1); and 11 more.
Identifiers: ClinVar variation 3148644 (VCV003148644.1), dbSNP rs2533346690, ClinGen allele CA2825001361.